The following is an entry in ClinVar:

ClinVar aggregate classification (germline): Likely pathogenic (1 of 4 stars; one submission).

Conditions:
Dilated cardiomyopathy 1G (CMD1G). Identifiers: Orphanet 154, MedGen C1858763, MONDO:0011400, OMIM 604145.
Autosomal recessive limb-girdle muscular dystrophy type 2J (LGMDR10). Also called: Limb-girdle muscular dystrophy, type 2J; MUSCULAR DYSTROPHY, LIMB-GIRDLE, AUTOSOMAL RECESSIVE 10. Identifiers: Orphanet 140922, MedGen C1837342, MONDO:0012127, OMIM 608807.

Submission:

Labcorp Genetics (formerly Invitae), Labcorp
Classification: Likely pathogenic for Dilated cardiomyopathy 1G; Autosomal recessive limb-girdle muscular dystrophy type 2J. Last evaluated: 2024-10-18. Review status: criteria provided, single submitter. Criteria: Invitae Variant Classification Sherloc (09022015). Collection method: clinical testing. Allele origin: germline.
Comment: This sequence change creates a premature translational stop signal (p.Lys13055Cysfs*22) in the TTN gene. While this is not anticipated to result in nonsense mediated decay, it is expected to create a truncated TTN protein. This variant is not present in population databases (gnomAD no frequency). This variant has not been reported in the literature in individuals affected with TTN-related conditions. ClinVar contains an entry for this variant (Variation ID: 858882). This variant is located in the I band of TTN (PMID: 25589632). Truncating variants in this region have been reported in individuals affected with autosomal recessive centronuclear myopathy (PMID: 23975875, internal data). Truncating variants in this region have also been identified in individuals affected with autosomal dominant dilated cardiomyopathy and/or cardio-related conditions (PMID: 27869827, 32964742, internal data). In summary, the currently available evidence indicates that the variant is pathogenic, but additional data are needed to prove that conclusively. Therefore, this variant has been classified as Likely Pathogenic.

Literature cited by the submitters: PubMed 25589632; PubMed 23975875; PubMed 27869827; PubMed 32964742.

NM_001267550.2(TTN):c.39163_39166del (p.Lys13055fs)

Gene: TTN (titin; minus strand). Cytogenetic location: 2q31.2.
Variant type: Microsatellite.
Coding change: c.39163_39166del on transcript NM_001267550.2 (MANE Select); coding-DNA positions 39163 to 39166, 4 bases deleted (AAAG; older notation c.39163_39166delAAAG).
Protein change: p.Lys13055fs; shifts the reading frame from lysine 13055.
Molecular consequence: frameshift variant. On other transcripts: intron variant (3).
Genome position (GRCh38, 1-based): chr2:178,652,309-178,652,312, CTTT deleted on the plus strand (AAAG on the coding strand, the reverse complement: TTN is on the minus strand); deleting any 4 consecutive bases within chr2:178,652,309-178,652,316 gives the same sequence; the c. name uses the placement nearest the transcript's 3' end. VCF-style (leftmost placement, unchanged base first): chr2-178652308-ACTTT-A. GRCh37 (hg19) VCF-style: chr2-179517035-ACTTT-A.
Other names: c.31861_31864del, p.Lys10621fs (NM_133378.4); c.13283-9995_13283-9992del (NM_003319.4); c.13859-9995_13859-9992del (NM_133437.4); c.13658-9995_13658-9992del (NM_133432.3); c.34642_34645del, p.Lys11548fs (NM_001256850.1); short protein forms K10621fs, K11548fs, K13055fs.
Identifiers: ClinVar variation 858882 (VCV000858882.12), dbSNP rs2063155917, ClinGen allele CA916081372.